The following is an entry in ClinVar:

NM_032242.4(PLXNA1):c.1612C>T (p.His538Tyr)

Gene: PLXNA1 (plexin A1; plus strand). Cytogenetic location: 3q21.3.
Variant type: single nucleotide variant.
Coding change: c.1612C>T on transcript NM_032242.4 (MANE Select); coding-DNA position 1612, C replaced by T.
Protein change: p.His538Tyr; replaces histidine 538 with tyrosine.
Molecular consequence: missense variant.
Genome position (GRCh38, 1-based): chr3:127,004,704, C>T. VCF-style: chr3-127004704-C-T. GRCh37 (hg19) VCF-style: chr3-126723547-C-T.
Other names: short protein forms H538Y.
Identifiers: ClinVar variation 2628645 (VCV002628645.2), dbSNP rs761116282, ClinGen allele CA2593292.

ClinVar aggregate classification (germline): Uncertain significance (0 of 4 stars; one submission).

Conditions:
PLXNA1-related disorder. Also called: PLXNA1-related condition.

Allele frequency attached by ClinVar (database versions not stated): gnomAD 0.00001; TOPMed 0.00001; ExAC 0.00007.

Submission:

PreventionGenetics, part of Exact Sciences
Classification: Uncertain significance for PLXNA1-related condition. Last evaluated: 2024-03-24. Review status: no assertion criteria provided. Collection method: clinical testing. Allele origin: germline.
Comment: The PLXNA1 c.1612C>T variant is predicted to result in the amino acid substitution p.His538Tyr. To our knowledge, this variant has not been reported in the literature. This variant is reported in 0.024% of alleles in individuals of Latino descent in gnomAD. At this time, the clinical significance of this variant is uncertain due to the absence of conclusive functional and genetic evidence.